The following is an entry in ClinVar:

NM_001160148.2(DDHD1):c.1292T>C (p.Met431Thr)

Gene: DDHD1 (DDHD domain containing 1; minus strand). Cytogenetic location: 14q22.1.
Variant type: single nucleotide variant.
Coding change: c.1292T>C on transcript NM_001160148.2 (MANE Select); coding-DNA position 1292, T replaced by C.
Protein change: p.Met431Thr; replaces methionine 431 with threonine.
Molecular consequence: missense variant.
Genome position (GRCh38, 1-based): chr14:53,073,845, A>G on the plus strand (T>C on the coding strand, the complement: DDHD1 is on the minus strand). VCF-style: chr14-53073845-A-G. GRCh37 (hg19) VCF-style: chr14-53540563-A-G.
Other names: c.1313T>C, p.Met438Thr (NM_001160147.2); c.1292T>C, p.Met431Thr (NM_030637.3); short protein forms M431T, M438T.
Identifiers: ClinVar variation 2887767 (VCV002887767.3), dbSNP rs956579171, ClinGen allele CA260976559.
Genomic context (GRCh38, chr14:53,073,845, plus strand): 5'-TCAACATGTGTTGCATGGTTGGAAAAATGCCTTTCTTCTATTTTTCTTGCAGCTTCTCTC[A>G]TCCTAAAAAAACAAACAAACAAAAATGCAAACAAAGCTTTATGAGAATAACTTCACATAT-3'
Protein context (NP_001153620.1, residues 421-441): QGRIIKNTAM[Met431Thr]REAARKIEER

ClinVar aggregate classification (germline): Uncertain significance (1 of 4 stars; one submission).

Conditions:
Hereditary spastic paraplegia 28. Also called: Spastic paraplegia 28, autosomal recessive. Identifiers: Orphanet 101008, MedGen C1836295, MONDO:0012256, OMIM 609340.

Allele frequency attached by ClinVar (database versions not stated): gnomAD exomes below 0.00001; TOPMed below 0.00001.
gnomAD v4.1: 1 of 1,608,774 alleles (0.000062%); highest among the groups gnomAD compares: East Asian, 0.0022%; no homozygotes.

Submission:

Labcorp Genetics (formerly Invitae), Labcorp
Classification: Uncertain significance for Hereditary spastic paraplegia 28. Last evaluated: 2023-07-26. Review status: criteria provided, single submitter. Criteria: Invitae Variant Classification Sherloc (09022015). Collection method: clinical testing. Allele origin: germline.
Comment: This sequence change replaces methionine, which is neutral and non-polar, with threonine, which is neutral and polar, at codon 438 of the DDHD1 protein (p.Met438Thr). In summary, the available evidence is currently insufficient to determine the role of this variant in disease. Therefore, it has been classified as a Variant of Uncertain Significance. This variant has not been reported in the literature in individuals affected with DDHD1-related conditions. An algorithm developed to predict the effect of missense changes on protein structure and function (PolyPhen-2) suggests that this variant is likely to be disruptive. This variant is present in population databases (no rsID available, gnomAD 0.006%).